The following is an entry in ClinVar:

ClinVar aggregate classification (germline): Uncertain significance (1 of 4 stars; one submission).

Submission:

Labcorp Genetics (formerly Invitae), Labcorp
Classification: Uncertain significance. Last evaluated: 2022-09-02. Review status: criteria provided, single submitter. Criteria: Invitae Variant Classification Sherloc (09022015). Collection method: clinical testing. Allele origin: germline.
Comment: This sequence change replaces isoleucine, which is neutral and non-polar, with valine, which is neutral and non-polar, at codon 179 of the GUCA1A protein (p.Ile179Val). This variant is present in population databases (no rsID available, gnomAD 0.003%). This variant has not been reported in the literature in individuals affected with GUCA1A-related conditions. Algorithms developed to predict the effect of missense changes on protein structure and function are either unavailable or do not agree on the potential impact of this missense change (SIFT: "Not Available"; PolyPhen-2: "Probably Damaging"; Align-GVGD: "Not Available"). In summary, the available evidence is currently insufficient to determine the role of this variant in disease. Therefore, it has been classified as a Variant of Uncertain Significance.

NM_001384910.1(GUCA1A):c.535A>G (p.Ile179Val)

Genes: GUCA1A (guanylate cyclase activator 1A; plus strand), GUCA1ANB-GUCA1A (GUCA1ANB-GUCA1A readthrough; plus strand). Cytogenetic location: 6p21.1.
Variant type: single nucleotide variant.
Coding change: c.535A>G on transcript NM_001384910.1 (MANE Select); coding-DNA position 535, A replaced by G.
Protein change: p.Ile179Val; replaces isoleucine 179 with valine.
Molecular consequence: missense variant.
Genome position (GRCh38, 1-based): chr6:42,179,332, A>G. VCF-style: chr6-42179332-A-G. GRCh37 (hg19) VCF-style: chr6-42147070-A-G.
Other names: c.535A>G, p.Ile179Val (NM_000409.5, NM_001319061.2, NM_001319062.2); short protein forms I179V.
Identifiers: ClinVar variation 1715814 (VCV001715814.5), dbSNP rs1250121448, ClinGen allele CA364110482.